The following is an entry in ClinVar:

ClinVar aggregate classification (germline): Uncertain significance (1 of 4 stars; one submission).

Conditions:
Spermatogenic failure 18. Identifiers: MedGen C4539783, MONDO:0054615, OMIM 617576.
Ciliary dyskinesia, primary, 37 (CILD37). Also called: CILIARY DYSKINESIA, PRIMARY, 37, WITH OR WITHOUT SITUS INVERSUS. Identifiers: MedGen C4539798, MONDO:0033204, OMIM 617577.

Allele frequency attached by ClinVar (database versions not stated): ESP Exome Variant Server 0.00008.
gnomAD v4.1: 93 of 1,569,314 alleles (0.0059%); highest among the groups gnomAD compares: Non-Finnish European, 0.0013%; no homozygotes.

Submission:

Labcorp Genetics (formerly Invitae), Labcorp
Classification: Uncertain significance for Ciliary dyskinesia, primary, 37; Spermatogenic failure 18. Last evaluated: 2021-12-29. Review status: criteria provided, single submitter. Criteria: Invitae Variant Classification Sherloc (09022015). Collection method: clinical testing. Allele origin: germline.
Comment: This sequence change replaces glutamine, which is neutral and polar, with lysine, which is basic and polar, at codon 4040 of the DNAH1 protein (p.Gln4040Lys). This variant is present in population databases (rs373064545, gnomAD 0.2%). This variant has not been reported in the literature in individuals affected with DNAH1-related conditions. Algorithms developed to predict the effect of missense changes on protein structure and function are either unavailable or do not agree on the potential impact of this missense change (SIFT: "Deleterious"; PolyPhen-2: "Benign"; Align-GVGD: "Class C0"). In summary, the available evidence is currently insufficient to determine the role of this variant in disease. Therefore, it has been classified as a Variant of Uncertain Significance.

NM_015512.5(DNAH1):c.12118C>A (p.Gln4040Lys)

Gene: DNAH1 (dynein axonemal heavy chain 1; plus strand). Cytogenetic location: 3p21.1.
Variant type: single nucleotide variant.
Coding change: c.12118C>A on transcript NM_015512.5 (MANE Select); coding-DNA position 12118, C replaced by A.
Protein change: p.Gln4040Lys; replaces glutamine 4040 with lysine.
Molecular consequence: missense variant.
Genome position (GRCh38, 1-based): chr3:52,398,878, C>A. VCF-style: chr3-52398878-C-A. GRCh37 (hg19) VCF-style: chr3-52432894-C-A.
Other names: short protein forms Q4040K.
Identifiers: ClinVar variation 2202018 (VCV002202018.3), dbSNP rs373064545, ClinGen allele CA2436414.